The following is an entry in ClinVar:

NM_031935.3(HMCN1):c.15515G>A (p.Arg5172His)

Gene: HMCN1 (hemicentin 1; plus strand). Cytogenetic location: 1q31.1.
Variant type: single nucleotide variant.
Coding change: c.15515G>A on transcript NM_031935.3 (MANE Select); coding-DNA position 15515, G replaced by A.
Protein change: p.Arg5172His; replaces arginine 5172 with histidine.
Molecular consequence: missense variant.
Genome position (GRCh38, 1-based): chr1:186,166,883, G>A. VCF-style: chr1-186166883-G-A. GRCh37 (hg19) VCF-style: chr1-186136015-G-A.
Other names: short protein forms R5172H.
Identifiers: ClinVar variation 711056 (VCV000711056.14), dbSNP rs147769095, ClinGen allele CA1295284.

ClinVar aggregate classification (germline): Likely benign. Review status: criteria provided, multiple submitters, no conflicts (2 of 4 stars). 3 submissions from 3 submitters: Likely benign (3). Last evaluated 2026-02-01.

Conditions:
Age related macular degeneration 1 (ARMD1). Also called: MACULOPATHY, AGE-RELATED, 1. Identifiers: MedGen C1864205, MONDO:0011285, OMIM 603075.

Allele frequency attached by ClinVar (database versions not stated): 1000 Genomes Project 30x 0.00047; gnomAD 0.00059 and 0.00060; 1000 Genomes Project 0.00060; ESP Exome Variant Server 0.00062; TOPMed 0.00063; gnomAD exomes 0.00069 and 0.00088; ExAC 0.00070.
gnomAD v4.1: 1,403 of 1,614,154 alleles (0.087%); highest among the groups gnomAD compares: Non-Finnish European, 0.095%; 1 homozygote.

Submissions (3):

Labcorp Genetics (formerly Invitae), Labcorp
Classification: Likely benign. Last evaluated: 2026-02-01. Review status: criteria provided, single submitter. Criteria: Invitae Variant Classification Sherloc (09022015). Collection method: clinical testing. Allele origin: germline.

Genome-Nilou Lab
Classification: Likely benign for Age related macular degeneration 1. Last evaluated: 2023-04-11. Review status: criteria provided, single submitter. Criteria: ACMG Guidelines, 2015. Collection method: clinical testing. Allele origin: germline. Affected: no.

Illumina Laboratory Services, Illumina
Classification: Likely benign for Age related macular degeneration 1. Last evaluated: 2018-01-12. Review status: criteria provided, single submitter. Criteria: ICSL Variant Classification Criteria 13 December 2019. Collection method: clinical testing. Allele origin: germline.
Comment: This variant was observed in the ICSL laboratory as part of a predisposition screen in an ostensibly healthy population. It had not been previously curated by ICSL or reported in the Human Gene Mutation Database (HGMD: prior to June 1st, 2018), and was therefore a candidate for classification through an automated scoring system. Utilizing variant allele frequency, disease prevalence and penetrance estimates, and inheritance mode, an automated score was calculated to assess if this variant is too frequent to cause the disease. Based on the score and internal cut-off values, a variant classified as likely benign is not then subjected to further curation. The score for this variant resulted in a classification of likely benign for this disease.